The following is an entry in ClinVar:

ClinVar aggregate classification (germline): Uncertain significance (1 of 4 stars; one submission).

Conditions:
Classic or attenuated familial adenomatous polyposis. Identifiers: MedGen CN372698, MONDO:0021057.

Submission:

All of Us Research Program, National Institutes of Health
Classification: Uncertain significance for Classic or attenuated familial adenomatous polyposis. Last evaluated: 2023-12-13. Review status: criteria provided, single submitter. Criteria: ACMG Guidelines, 2015. Collection method: clinical testing. Allele origin: germline. Inheritance: Autosomal dominant inheritance. Observed: 1 variant allele, 1 heterozygote.
Comment: This missense variant replaces aspartic acid with glycine at codon 2133 of the APC protein. Computational prediction suggests that this variant may have deleterious impact on protein structure and function (internally defined REVEL score threshold >= 0.7, PMID: 27666373). To our knowledge, functional studies have not been reported for this variant. This variant has not been reported in individuals affected with APC-related disorders in the literature. This variant has not been identified in the general population by the Genome Aggregation Database (gnomAD). The available evidence is insufficient to determine the role of this variant in disease conclusively. Therefore, this variant is classified as a Variant of Uncertain Significance.

This study involves interpretation of variants in research participants for the purpose of population health screening. Participant phenotype was not available at the time of variant classification. Additional details can be found in publication PMID: 35346344, PMCID: PMC8962531

NM_000038.6(APC):c.6398A>G (p.Asp2133Gly)

Gene: APC (APC regulator of WNT signaling pathway; plus strand). Cytogenetic location: 5q22.2.
Variant type: single nucleotide variant.
Coding change: c.6398A>G on transcript NM_000038.6 (MANE Select); coding-DNA position 6398, A replaced by G.
Protein change: p.Asp2133Gly; replaces aspartic acid 2133 with glycine.
Molecular consequence: missense variant. On other transcripts: non-coding transcript variant (2).
Genome position (GRCh38, 1-based): chr5:112,841,992, A>G. VCF-style: chr5-112841992-A-G. GRCh37 (hg19) VCF-style: chr5-112177689-A-G.
Other names: c.6398A>G, p.Asp2133Gly (NM_001127510.3, NM_001354895.2, NM_001407450.1); c.6344A>G, p.Asp2115Gly (NM_001127511.3); c.6452A>G, p.Asp2151Gly (NM_001354896.2, NM_001407447.1, NM_001407448.1 and 1 more transcripts); c.6428A>G, p.Asp2143Gly (NM_001354897.2); c.6323A>G, p.Asp2108Gly (NM_001354898.2); c.6314A>G, p.Asp2105Gly (NM_001354899.2); c.6275A>G, p.Asp2092Gly (NM_001354900.2); c.6221A>G, p.Asp2074Gly (NM_001354901.2, NM_001407453.1); and 11 more; short protein forms D1749G, D1850G, D1973G, D2004G, D2007G, D2032G, D2042G, D2050G.
Identifiers: ClinVar variation 3074784 (VCV003074784.1), dbSNP rs1580670449, ClinGen allele CA16035340.
Genomic context (GRCh38, chr5:112,841,992, plus strand): 5'-GTAGTTTACATCAAGCTGCTGCTGCTGCATGTTTATCTAGACAAGCTTCGTCTGATTCAG[A>G]TTCCATCCTTTCCCTGAAATCAGGAATCTCTCTGGGATCACCATTTCATCTTACACCTGA-3'
Protein context (NP_000029.2, residues 2123-2143): CLSRQASSDS[Asp2133Gly]SILSLKSGIS